The following is an entry in ClinVar:

ClinVar aggregate classification (germline): Pathogenic/Likely pathogenic. Review status: criteria provided, multiple submitters, no conflicts (2 of 4 stars). 5 submissions from 5 submitters: Pathogenic (1); Likely pathogenic (4). Last evaluated 2025-09-02.

Conditions:
GRACILE syndrome (FLNMS). Also called: FELLMAN SYNDROME; FINNISH LETHAL NEONATAL METABOLIC SYNDROME. Identifiers: Orphanet 53693, MedGen C1864002, MONDO:0011308, OMIM 603358.
Pili torti-deafness syndrome (BJS). Also called: Bjornstad syndrome; PILI TORTI AND NERVE DEAFNESS. Identifiers: Orphanet 123, MedGen C0266006, MONDO:0009872, OMIM 262000.
BCS1L-related disorder. Also called: BCS1L-related disorders; BCS1L-related condition. Identifiers: MedGen CN239240.
Mitochondrial complex III deficiency nuclear type 1. Identifiers: Orphanet 254902, MedGen C3541471, MONDO:0007415, OMIM 124000.

Allele frequency attached by ClinVar (database versions not stated): TOPMed 0.00001.
gnomAD v4.1: 7 of 1,614,142 alleles (0.00043%); highest among the groups gnomAD compares: Non-Finnish European, 0.00059%; no homozygotes.

Submissions (5):

Natera, Inc.
Classification: Likely pathogenic for GRACILE syndrome. Last evaluated: 2025-09-02. Review status: criteria provided, single submitter. Criteria: Natera Variant Classification Schema (03/2026). Collection method: clinical testing. Allele origin: germline.
Comment: The c.430C>T variant in BCS1L is a nonsense variant predicted to introduce a stop codon at amino acid 144. This variant is expected to result in nonsense mediated decay, truncation, or a dysfunctional protein product. This variant is rare in the general population with a frequency below the threshold expected for the associated phenotype(s). Given the available evidence, this variant is classified as Likely Pathogenic.

Baylor Genetics
Classification: Likely pathogenic for Pili torti-deafness syndrome. Last evaluated: 2024-02-08. Review status: criteria provided, single submitter. Criteria: ACMG Guidelines, 2015. Collection method: clinical testing. Allele origin: unknown.

Blueprint Genetics
Classification: Likely pathogenic for BCS1L-related disorders. Last evaluated: 2023-12-20. Review status: criteria provided, single submitter. Criteria: ACMG Guidelines, 2015. Collection method: clinical testing. Allele origin: germline. Affected: yes. Observed: 2 variant alleles.

Labcorp Genetics (formerly Invitae), Labcorp
Classification: Pathogenic. Last evaluated: 2023-11-29. Review status: criteria provided, single submitter. Criteria: Invitae Variant Classification Sherloc (09022015). Collection method: clinical testing. Allele origin: germline.
Comment: This sequence change creates a premature translational stop signal (p.Arg144*) in the BCS1L gene. It is expected to result in an absent or disrupted protein product. Loss-of-function variants in BCS1L are known to be pathogenic (PMID: 12215968, 17314340, 19162478, 19508421, 22277166, 25895478). This variant is not present in population databases (gnomAD no frequency). This variant has not been reported in the literature in individuals affected with BCS1L-related conditions. ClinVar contains an entry for this variant (Variation ID: 646751). Algorithms developed to predict the effect of sequence changes on RNA splicing suggest that this variant may disrupt the consensus splice site. For these reasons, this variant has been classified as Pathogenic.

Fulgent Genetics
Classification: Likely pathogenic for Mitochondrial complex III deficiency nuclear type 1; Pili torti-deafness syndrome; GRACILE syndrome. Last evaluated: 2022-02-26. Review status: criteria provided, single submitter. Criteria: ACMG Guidelines, 2015. Collection method: clinical testing. Allele origin: unknown.

Literature cited by the submitters: PubMed 12215968 (cited by Labcorp Genetics (formerly Invitae), Labcorp); PubMed 17314340 (cited by Labcorp Genetics (formerly Invitae), Labcorp); PubMed 19162478 (cited by Labcorp Genetics (formerly Invitae), Labcorp); PubMed 19508421 (cited by Labcorp Genetics (formerly Invitae), Labcorp); PubMed 22277166 (cited by Labcorp Genetics (formerly Invitae), Labcorp); PubMed 25895478 (cited by Labcorp Genetics (formerly Invitae), Labcorp).

NM_001079866.2(BCS1L):c.430C>T (p.Arg144Ter)

Gene: BCS1L (BCS1 ubiquinol-cytochrome c reductase complex chaperone; plus strand). Cytogenetic location: 2q35.
Variant type: single nucleotide variant.
Coding change: c.430C>T on transcript NM_001079866.2 (MANE Select); coding-DNA position 430, C replaced by T.
Protein change: p.Arg144Ter; replaces arginine 144 with a stop codon.
Molecular consequence: nonsense. On other transcripts: 5 prime UTR variant (5), non-coding transcript variant (1), intron variant (1).
Genome position (GRCh38, 1-based): chr2:218,661,515, C>T. VCF-style: chr2-218661515-C-T. GRCh37 (hg19) VCF-style: chr2-219526238-C-T.
Other names: c.430C>T, p.Arg144Ter (NM_001257342.2, NM_001257343.2, NM_001257344.2 and 10 more transcripts); c.70C>T, p.Arg24Ter (NM_001318836.2, NM_001371451.1); c.-47C>T (NM_001371453.1, NM_001371454.1, NM_001371455.1 and 2 more transcripts); c.-41-244C>T (NM_001371452.1); short protein forms R144*, R24*.
Identifiers: ClinVar variation 646751 (VCV000646751.10), dbSNP rs1443643776, ClinGen allele CA350626644.
Genomic context (GRCh38, chr2:218,661,515, plus strand): 5'-ATAGACTTGCAGACGGGGACTCCTTGGGAATCTGTCACCTTCACGGCCCTGGGCACTGAC[C>T]GAAAGGTTTTCTTCAACATCCTGGAGGAAGGTGTGGGATGGCACAGGCAGGCTTTCTAGG-3'